The following is an entry in ClinVar:

NM_015107.3(PHF8):c.1733C>T (p.Thr578Met)

Gene: PHF8 (PHD finger protein 8; minus strand). Cytogenetic location: Xp11.22.
Variant type: single nucleotide variant.
Coding change: c.1733C>T on transcript NM_015107.3 (MANE Select); coding-DNA position 1733, C replaced by T.
Protein change: p.Thr578Met; replaces threonine 578 with methionine.
Molecular consequence: missense variant.
Genome position (GRCh38, 1-based): chrX:53,987,942, G>A on the plus strand (C>T on the coding strand, the complement: PHF8 is on the minus strand). VCF-style: chrX-53987942-G-A. GRCh37 (hg19) VCF-style: chrX-54014375-G-A.
Other names: c.1841C>T, p.Thr614Met (NM_001184896.1); c.1430C>T, p.Thr477Met (NM_001184897.2); c.1733C>T, p.Thr578Met (NM_001184898.2); short protein forms T477M, T578M, T614M.
Identifiers: ClinVar variation 1779028 (VCV001779028.2), dbSNP rs373224451, ClinGen allele CA10423415.
Genomic context (GRCh38, chrX:53,987,942, plus strand): 5'-TTGTCTACCTTCTTTGCTATCTTGGTTCGCCGAGATTTGGATAAACTCTTCACCCTTTTC[G>A]TACTGAAGGGAAGGAGAACATAAAAACAGTCACTAGCAGTATTGTTAGTCGCTAGCAAGA-3'
Protein context (NP_055922.1, residues 568-588): PLALLMSNGS[Thr578Met]KRVKSLSKSR

ClinVar aggregate classification (germline): Uncertain significance (1 of 4 stars; one submission).

Conditions:
Inborn genetic diseases. Identifiers: MedGen C0950123, MeSH D030342.

Allele frequency attached by ClinVar (database versions not stated): TOPMed below 0.00001; ExAC 0.00001; gnomAD 0.00001; ESP Exome Variant Server 0.00009.
gnomAD v4.1: 18 of 1,194,829 alleles (0.0015%); highest among the groups gnomAD compares: South Asian, 0.012%; no homozygotes.

Submission:

Ambry Genetics
Classification: Uncertain significance for Inborn genetic diseases. Last evaluated: 2014-10-06. Review status: criteria provided, single submitter. Criteria: Ambry Variant Classification Scheme 2023. Collection method: clinical testing. Allele origin: germline.
Comment: The p.T578M variant (also known as c.1733C>T), located in coding exon 14 of the PHF8 gene, results from a C to T substitution at nucleotide position 1733. The threonine at codon 578 is replaced by methionine, an amino acid with some similar properties. This variant was previously reported in the SNPDatabase as rs373224451. Based on data from the NHLBI Exome Sequencing Project (ESP), the T allele was absent out of 2443 total male alleles studied. This amino acid position is not conserved in available vertebrate species. In addition, this alteration is predicted to be tolerated by in silico analysis. Since supporting evidence is limited at this time, the clinical significance of this variant remains unclear.